The following is an entry in ClinVar:

ClinVar aggregate classification (germline): Uncertain significance. Review status: criteria provided, multiple submitters, no conflicts (2 of 4 stars). 3 submissions from 3 submitters: Uncertain significance (3). Last evaluated 2026-06-13.

Conditions:
PCNT-related disorder. Also called: PCNT-related condition.

Allele frequency attached by ClinVar (database versions not stated): gnomAD exomes 0.00007; ESP Exome Variant Server 0.00008; gnomAD 0.00009; TOPMed 0.00009; ExAC 0.00015.
gnomAD v4.1: 114 of 1,613,904 alleles (0.0071%); highest among the groups gnomAD compares: Middle Eastern, 0.049%; no homozygotes.

Submissions (5):

PreventionGenetics, part of Exact Sciences
Classification: Uncertain significance for PCNT-related condition. Last evaluated: 2026-06-13. Review status: criteria provided, single submitter. Criteria: ACMG Guidelines, 2015. Collection method: clinical testing. Allele origin: germline.
Comment: The PCNT c.5115G>A variant is not predicted to result in an amino acid change (p.=). To our knowledge, this variant has not been reported in the literature. This variant occurs at the terminal nucleotide of an exon and is predicted to weaken a splice donor site based on available splicing prediction programs (SpliceAI, Jaganathan et al. 2019. PubMed ID: 30661751). This variant is reported in 0.011% of alleles in individuals of European (Non-Finnish) descent in gnomAD. At this time, the clinical significance of this variant is uncertain due to the absence of conclusive functional and genetic evidence.

Labcorp Genetics (formerly Invitae), Labcorp
Classification: Uncertain significance. Last evaluated: 2026-01-08. Review status: criteria provided, single submitter. Criteria: Invitae Variant Classification Sherloc (09022015). Collection method: clinical testing. Allele origin: germline.
Comment: This sequence change affects codon 1705 of the PCNT mRNA. It is a 'silent' change, meaning that it does not change the encoded amino acid sequence of the PCNT protein. This variant also falls at the last nucleotide of exon 27, which is part of the consensus splice site for this exon. This variant is present in population databases (rs141860893, gnomAD 0.01%). This variant has not been reported in the literature in individuals affected with PCNT-related conditions. ClinVar contains an entry for this variant (Variation ID: 436199). Variants that disrupt the consensus splice site are a relatively common cause of aberrant splicing (PMID: 17576681, 9536098). Algorithms developed to predict the effect of sequence changes on RNA splicing suggest that this variant may disrupt the consensus splice site. In summary, the available evidence is currently insufficient to determine the role of this variant in disease. Therefore, it has been classified as a Variant of Uncertain Significance.

Genetic Services Laboratory, University of Chicago
Classification: Uncertain significance. Last evaluated: 2016-07-20. Review status: criteria provided, single submitter. Criteria: ACMG Guidelines, 2015. Collection method: clinical testing. Allele origin: germline. Affected: no.

Dr. Peter K. Rogan Lab, Western University
No classification provided (evidence only). Condition: Hepatocellular carcinoma. Review status: no classification provided. Collection method: in vitro. Allele origin: not applicable. Functional consequence: retained intron. Not counted in ClinVar's aggregate classification.

Dr. Peter K. Rogan Lab, Western University
No classification provided (evidence only). Condition: Ovarian serous cystadenocarcinoma. Review status: no classification provided. Collection method: in vitro. Allele origin: not applicable. Functional consequence: retained intron. Not counted in ClinVar's aggregate classification.

Literature cited by the submitters: PubMed 17576681 (cited by Labcorp Genetics (formerly Invitae), Labcorp); PubMed 9536098 (cited by Labcorp Genetics (formerly Invitae), Labcorp).

NM_006031.6(PCNT):c.5115G>A (p.Lys1705=)

Gene: PCNT (pericentrin; plus strand). Cytogenetic location: 21q22.3.
Variant type: single nucleotide variant.
Coding change: c.5115G>A on transcript NM_006031.6 (MANE Select); coding-DNA position 5115, G replaced by A.
Protein change: p.Lys1705=; no amino-acid change (lysine 1705 retained).
Molecular consequence: synonymous variant.
Genome position (GRCh38, 1-based): chr21:46,402,483, G>A. VCF-style: chr21-46402483-G-A. GRCh37 (hg19) VCF-style: chr21-47822397-G-A.
Other names: c.4761G>A, p.Lys1587= (NM_001315529.2).
Identifiers: ClinVar variation 436199 (VCV000436199.14), dbSNP rs141860893, ClinGen allele CA10079877.